The following is an entry in ClinVar:

NM_000197.2(HSD17B3):c.799G>A (p.Gly267Ser)

Genes: HSD17B3 (hydroxysteroid 17-beta dehydrogenase 3; minus strand), SLC35D2-HSD17B3 (SLC35D2-HSD17B3 readthrough; minus strand). Cytogenetic location: 9q22.32.
Variant type: single nucleotide variant.
Coding change: c.799G>A on transcript NM_000197.2 (MANE Select); coding-DNA position 799, G replaced by A.
Protein change: p.Gly267Ser; replaces glycine 267 with serine.
Molecular consequence: missense variant. On other transcripts: non-coding transcript variant (1).
Genome position (GRCh38, 1-based): chr9:96,240,781, C>T on the plus strand (G>A on the coding strand, the complement: HSD17B3 is on the minus strand). VCF-style: chr9-96240781-C-T. GRCh37 (hg19) VCF-style: chr9-99003063-C-T.
Other names: short protein forms G267S.
Identifiers: ClinVar variation 2998160 (VCV002998160.3), dbSNP rs1165956033, ClinGen allele CA374123121.

ClinVar aggregate classification (germline): Pathogenic (1 of 4 stars; one submission).

Allele frequency attached by ClinVar (database versions not stated): gnomAD exomes below 0.00001.

Submission:

Labcorp Genetics (formerly Invitae), Labcorp
Classification: Pathogenic. Last evaluated: 2024-10-24. Review status: criteria provided, single submitter. Criteria: Invitae Variant Classification Sherloc (09022015). Collection method: clinical testing. Allele origin: germline.
Comment: This sequence change replaces glycine, which is neutral and non-polar, with serine, which is neutral and polar, at codon 267 of the HSD17B3 protein (p.Gly267Ser). This variant is present in population databases (no rsID available, gnomAD 0.0009%). This missense change has been observed in individual(s) with 17-beta hydroxysteroid dehydrogenase 3 deficiency (internal data). It has also been observed to segregate with disease in related individuals. Invitae Evidence Modeling of protein sequence and biophysical properties (such as structural, functional, and spatial information, amino acid conservation, physicochemical variation, residue mobility, and thermodynamic stability) indicates that this missense variant is expected to disrupt HSD17B3 protein function with a positive predictive value of 80%. For these reasons, this variant has been classified as Pathogenic.